The following is an entry in ClinVar:

NM_006531.5(IFT88):c.2284C>G (p.Leu762Val)

Gene: IFT88 (intraflagellar transport 88; plus strand). Cytogenetic location: 13q12.11.
Variant type: single nucleotide variant.
Coding change: c.2284C>G on transcript NM_006531.5 (MANE Select); coding-DNA position 2284, C replaced by G.
Protein change: p.Leu762Val; replaces leucine 762 with valine.
Molecular consequence: missense variant. On other transcripts: non-coding transcript variant (4), intron variant (5).
Genome position (GRCh38, 1-based): chr13:20,690,746, C>G. VCF-style: chr13-20690746-C-G. GRCh37 (hg19) VCF-style: chr13-21264885-C-G.
Other names: c.2227C>G, p.Leu743Val (NM_001318491.2); c.2311C>G, p.Leu771Val (NM_001318493.2, NM_001353565.2, NM_001353566.2 and 2 more transcripts); c.2284C>G, p.Leu762Val (NM_001353568.2); c.2209C>G, p.Leu737Val (NM_001353569.2, NM_001353570.2); c.2182C>G, p.Leu728Val (NM_001353571.2); c.2140C>G, p.Leu714Val (NM_001353573.2); c.2125C>G, p.Leu709Val (NM_001353574.2); c.1651C>G, p.Leu551Val (NM_001353579.2); and 4 more; short protein forms L709V, L743V, L762V, L728V, L551V, L714V, L737V, L771V.
Identifiers: ClinVar variation 2069399 (VCV002069399.4), dbSNP rs144721929, ClinGen allele CA387475089.

ClinVar aggregate classification (germline): Uncertain significance (1 of 4 stars; one submission).

gnomAD v4.1: 1 of 1,613,850 alleles (0.000062%); highest among the groups gnomAD compares: Admixed American, 0.0017%; no homozygotes.

Submission:

Labcorp Genetics (formerly Invitae), Labcorp
Classification: Uncertain significance. Last evaluated: 2024-12-02. Review status: criteria provided, single submitter. Criteria: Invitae Variant Classification Sherloc (09022015). Collection method: clinical testing. Allele origin: germline.
Comment: This sequence change replaces leucine, which is neutral and non-polar, with valine, which is neutral and non-polar, at codon 771 of the IFT88 protein (p.Leu771Val). This variant is present in population databases (no rsID available, gnomAD 0.003%). This variant has not been reported in the literature in individuals affected with IFT88-related conditions. ClinVar contains an entry for this variant (Variation ID: 2069399). An algorithm developed to predict the effect of missense changes on protein structure and function (PolyPhen-2) suggests that this variant is likely to be tolerated. Algorithms developed to predict the effect of sequence changes on RNA splicing suggest that this variant may disrupt the consensus splice site. In summary, the available evidence is currently insufficient to determine the role of this variant in disease. Therefore, it has been classified as a Variant of Uncertain Significance.